The following is an entry in ClinVar:

ClinVar aggregate classification (germline): Uncertain significance (1 of 4 stars; one submission).

Allele frequency attached by ClinVar (database versions not stated): gnomAD exomes 0.00001; TOPMed 0.00002.
gnomAD v4.1: 20 of 1,613,418 alleles (0.0012%); highest among the groups gnomAD compares: African/African-American, 0.0027%; no homozygotes.

Submission:

Labcorp Genetics (formerly Invitae), Labcorp
Classification: Uncertain significance. Last evaluated: 2024-02-26. Review status: criteria provided, single submitter. Criteria: Invitae Variant Classification Sherloc (09022015). Collection method: clinical testing. Allele origin: germline.
Comment: This sequence change replaces proline, which is neutral and non-polar, with leucine, which is neutral and non-polar, at codon 612 of the CUL7 protein (p.Pro612Leu). This variant is present in population databases (no rsID available, gnomAD 0.003%). This variant has not been reported in the literature in individuals affected with CUL7-related conditions. ClinVar contains an entry for this variant (Variation ID: 1352405). Advanced modeling of protein sequence and biophysical properties (such as structural, functional, and spatial information, amino acid conservation, physicochemical variation, residue mobility, and thermodynamic stability) performed at Invitae indicates that this missense variant is not expected to disrupt CUL7 protein function with a negative predictive value of 80%. In summary, the available evidence is currently insufficient to determine the role of this variant in disease. Therefore, it has been classified as a Variant of Uncertain Significance.

NM_014780.5(CUL7):c.1835C>T (p.Pro612Leu)

Gene: CUL7 (cullin 7; minus strand). Cytogenetic location: 6p21.1.
Variant type: single nucleotide variant.
Coding change: c.1835C>T on transcript NM_014780.5 (MANE Select); coding-DNA position 1835, C replaced by T.
Protein change: p.Pro612Leu; replaces proline 612 with leucine.
Molecular consequence: missense variant.
Genome position (GRCh38, 1-based): chr6:43,048,560, G>A on the plus strand (C>T on the coding strand, the complement: CUL7 is on the minus strand). VCF-style: chr6-43048560-G-A. GRCh37 (hg19) VCF-style: chr6-43016298-G-A.
Other names: c.1931C>T, p.Pro644Leu (NM_001168370.2, NM_001374872.1); c.1835C>T, p.Pro612Leu (NM_001374873.1, NM_001374874.1); short protein forms P644L, P612L.
Identifiers: ClinVar variation 1352405 (VCV001352405.8), dbSNP rs1320746461, ClinGen allele CA364221333.